The following is an entry in ClinVar:

NM_000094.4(COL7A1):c.7256G>A (p.Gly2419Asp)

Gene: COL7A1 (collagen type VII alpha 1 chain; minus strand). Cytogenetic location: 3p21.31.
Variant type: single nucleotide variant.
Coding change: c.7256G>A on transcript NM_000094.4 (MANE Select); coding-DNA position 7256, G replaced by A.
Protein change: p.Gly2419Asp; replaces glycine 2419 with aspartic acid.
Molecular consequence: missense variant.
Genome position (GRCh38, 1-based): chr3:48,570,877, C>T on the plus strand (G>A on the coding strand, the complement: COL7A1 is on the minus strand). VCF-style: chr3-48570877-C-T. GRCh37 (hg19) VCF-style: chr3-48608310-C-T.
Other names: short protein forms G2419D.
Identifiers: ClinVar variation 2627511 (VCV002627511.1), dbSNP rs2530870857, ClinGen allele CA16622163.

ClinVar aggregate classification (germline): Uncertain significance (1 of 4 stars; one submission).

Conditions:
Recessive dystrophic epidermolysis bullosa (RDEB). Also called: epidermolysis bullosa dystrophica, autosomal recessive; Recessive DEB (RDEB); DYSTROPHIC EPIDERMOLYSIS BULLOSA, AUTOSOMAL RECESSIVE; EPIDERMOLYSIS BULLOSA DYSTROPHICA, HALLOPEAU-SIEMENS TYPE; severe generalized recessive dystrophic epidermolysis bullosa; Hallopeau-Siemens Disease. Identifiers: Orphanet 79408, Orphanet 79409, MedGen C0079474, MONDO:0009179, OMIM 226600.

Submission:

Neuberg Centre For Genomic Medicine, NCGM
Classification: Uncertain significance for Recessive dystrophic epidermolysis bullosa. Review status: criteria provided, single submitter. Criteria: ACMG Guidelines, 2015. Collection method: clinical testing. Allele origin: germline. Inheritance: Autosomal recessive inheritance. Affected: yes.
Comment: The missense variant p.G2419D in COL7A1 (NM_000094.4) has not been reported previously as a pathogenic variant nor as a benign variant, to our knowledge. The p.G2419D variant is novel (not in any individuals) in gnomAD Exomes and is novel (not in any individuals) in 1000 Genomes. There is a moderate physicochemical difference between glycine and aspartic acid. The p.G2419D missense variant is predicted to be damaging by both SIFT and PolyPhen2. The glycine residue at codon 2419 of COL7A1 is conserved in all mammalian species. The nucleotide c.7256 in COL7A1 is predicted conserved by GERP++ and PhyloP across 100 vertebrates. For these reasons, this variant has been classified as Uncertain Significance.